The following is an entry in ClinVar:

ClinVar aggregate classification (germline): Benign/Likely benign. Review status: criteria provided, multiple submitters, no conflicts (2 of 4 stars). 5 submissions from 5 submitters: Benign (2); Likely benign (2). 1 of the submissions does not count toward it. Last evaluated 2025-11-12.

Conditions:
DYRK1A-related intellectual disability syndrome (MRD7). Also called: Intellectual developmental disorder, autosomal dominant 7; DYRK1A Syndrome. Identifiers: Orphanet 464306, MedGen C5568143, MONDO:0013578, OMIM 614104.
Inborn genetic diseases. Identifiers: MedGen C0950123, MeSH D030342.
DYRK1A-related disorder.

Allele frequency attached by ClinVar (database versions not stated): gnomAD 0.00004 and 0.00005; TOPMed 0.00006; ExAC 0.00017; ESP Exome Variant Server 0.00023.
gnomAD v4.1: 146 of 1,613,984 alleles (0.009%); highest among the groups gnomAD compares: Admixed American, 0.062%; no homozygotes.

Submissions (5):

Labcorp Genetics (formerly Invitae), Labcorp
Classification: Likely benign for DYRK1A-related intellectual disability syndrome. Last evaluated: 2025-11-12. Review status: criteria provided, single submitter. Criteria: Invitae Variant Classification Sherloc (09022015). Collection method: clinical testing. Allele origin: germline.

CeGaT Center for Human Genetics Tuebingen
Classification: Likely benign. Last evaluated: 2024-08-01. Review status: criteria provided, single submitter. Criteria: CeGaT Center For Human Genetics Tuebingen Variant Classification Criteria Version 2. Collection method: clinical testing. Allele origin: germline. Affected: yes. Observed: 1 variant allele.
Comment: DYRK1A: PM5, BS1

GeneDx
Classification: Benign. Last evaluated: 2020-07-06. Review status: criteria provided, single submitter. Criteria: GeneDx Variant Classification Process June 2021. Collection method: clinical testing. Allele origin: germline. Affected: yes.

Ambry Genetics
Classification: Benign for Inborn genetic diseases. Last evaluated: 2019-01-26. Review status: criteria provided, single submitter. Criteria: Ambry Variant Classification Scheme 2023. Collection method: clinical testing. Allele origin: germline.

PreventionGenetics, part of Exact Sciences
Classification: Likely benign for DYRK1A-related condition. Last evaluated: 2020-04-08. Review status: no assertion criteria provided. Collection method: clinical testing. Allele origin: germline. Not counted in ClinVar's aggregate classification.
Comment: This variant is classified as likely benign based on ACMG/AMP sequence variant interpretation guidelines (Richards et al. 2015 PMID: 25741868, with internal and published modifications).

NM_001347721.2(DYRK1A):c.1735A>C (p.Thr579Pro)

Gene: DYRK1A (dual specificity tyrosine phosphorylation regulated kinase 1A; plus strand). Cytogenetic location: 21q22.13.
Variant type: single nucleotide variant.
Coding change: c.1735A>C on transcript NM_001347721.2 (MANE Select); coding-DNA position 1735, A replaced by C.
Protein change: p.Thr579Pro; replaces threonine 579 with proline.
Molecular consequence: missense variant. On other transcripts: 3 prime UTR variant (2).
Genome position (GRCh38, 1-based): chr21:37,512,001, A>C. VCF-style: chr21-37512001-A-C. GRCh37 (hg19) VCF-style: chr21-38884304-A-C.
Other names: c.1762A>C (NM_001396.4); c.1735A>C, p.Thr579Pro (NM_001347722.2, NM_130436.2); c.1648A>C, p.Thr550Pro (NM_001347723.2); c.1762A>C, p.Thr588Pro (NM_001396.5); c.*138A>C (NM_101395.2); c.*47A>C (NM_130438.2); short protein forms T588P, T550P, T579P.
Identifiers: ClinVar variation 449735 (VCV000449735.33), dbSNP rs149948846, ClinGen allele CA10024089.